The following is an entry in ClinVar:

ClinVar aggregate classification (germline): Uncertain significance. Review status: criteria provided, multiple submitters, no conflicts (2 of 4 stars). 2 submissions from 2 submitters: Uncertain significance (2). Last evaluated 2026-01-06.

Conditions:
Hereditary cancer-predisposing syndrome. Also called: Neoplastic Syndromes, Hereditary; Tumor predisposition; Hereditary Cancer Syndrome; Hereditary neoplastic syndrome. Identifiers: Orphanet 140162, MedGen C0027672, MeSH D009386, MONDO:0015356.
Hereditary nonpolyposis colorectal neoplasms. Identifiers: MedGen C0009405, MeSH D003123.

Submissions (2):

Ambry Genetics
Classification: Uncertain significance for Hereditary cancer-predisposing syndrome. Last evaluated: 2026-01-06. Review status: criteria provided, single submitter. Criteria: Ambry Variant Classification Scheme 2023. Collection method: clinical testing. Allele origin: germline.
Comment: The p.D116H variant (also known as c.346G>C), located in coding exon 2 of the MSH6 gene, results from a G to C substitution at nucleotide position 346. The aspartic acid at codon 116 is replaced by histidine, an amino acid with similar properties. This amino acid position is not well conserved in available vertebrate species. In addition, this alteration is predicted to be tolerated by in silico analysis. Based on the available evidence, the clinical significance of this variant remains unclear.

Labcorp Genetics (formerly Invitae), Labcorp
Classification: Uncertain significance for Hereditary nonpolyposis colorectal neoplasms. Last evaluated: 2025-10-23. Review status: criteria provided, single submitter. Criteria: Invitae Variant Classification Sherloc (09022015). Collection method: clinical testing. Allele origin: germline.
Comment: This sequence change replaces aspartic acid, which is acidic and polar, with histidine, which is basic and polar, at codon 116 of the MSH6 protein (p.Asp116His). This variant is not present in population databases (gnomAD no frequency). This variant has not been reported in the literature in individuals affected with MSH6-related conditions. Invitae Evidence Modeling of protein sequence and biophysical properties (such as structural, functional, and spatial information, amino acid conservation, physicochemical variation, residue mobility, and thermodynamic stability) indicates that this missense variant is not expected to disrupt MSH6 protein function with a negative predictive value of 95%. In summary, the available evidence is currently insufficient to determine the role of this variant in disease. Therefore, it has been classified as a Variant of Uncertain Significance.

NM_000179.3(MSH6):c.346G>C (p.Asp116His)

Gene: MSH6 (mutS homolog 6; plus strand). Cytogenetic location: 2p16.3.
Variant type: single nucleotide variant.
Coding change: c.346G>C on transcript NM_000179.3 (MANE Select); coding-DNA position 346, G replaced by C.
Protein change: p.Asp116His; replaces aspartic acid 116 with histidine.
Molecular consequence: missense variant. On other transcripts: 5 prime UTR variant (7), non-coding transcript variant (5), intron variant (6).
Genome position (GRCh38, 1-based): chr2:47,791,012, G>C. VCF-style: chr2-47791012-G-C. GRCh37 (hg19) VCF-style: chr2-48018151-G-C.
Other names: c.-391G>C (NM_001406823.1, NM_001406829.1, NM_001406811.1 and 1 more transcripts); c.49G>C, p.Asp17His (NM_001406824.1, NM_001406825.1, NM_001406827.1 and 10 more transcripts); c.178G>C, p.Asp60His (NM_001406826.1); c.346G>C, p.Asp116His (NM_001407362.1, NM_001406808.1, NM_001406809.1 and 6 more transcripts); c.-280+42G>C (NM_001406812.1); c.-68-4882G>C (NM_001406799.1, NM_001406806.1); c.-280+7519G>C (NM_001406816.1); c.237+7542G>C (NM_001281492.2); and 6 more; short protein forms D148H, D90H, D116H, D17H, D60H.
Identifiers: ClinVar variation 4707812 (VCV004707812.2).